The following is an entry in ClinVar:

NM_001267550.2(TTN):c.4274C>T (p.Ala1425Val)

Genes: TTN (titin; minus strand), LOC101927055 (uncharacterized LOC101927055; plus strand). Cytogenetic location: 2q31.2.
Variant type: single nucleotide variant.
Coding change: c.4274C>T on transcript NM_001267550.2 (MANE Select); coding-DNA position 4274, C replaced by T.
Protein change: p.Ala1425Val; replaces alanine 1425 with valine.
Molecular consequence: missense variant. On other transcripts: non-coding transcript variant (1).
Genome position (GRCh38, 1-based): chr2:178,777,910, G>A on the plus strand (C>T on the coding strand, the complement: TTN is on the minus strand). VCF-style: chr2-178777910-G-A. GRCh37 (hg19) VCF-style: chr2-179642637-G-A.
Other names: c.4274C>T, p.Ala1425Val (NM_001256850.1, NM_133378.4, NM_133379.5); c.4136C>T, p.Ala1379Val (NM_003319.4, NM_133432.3, NM_133437.4); short protein forms A1425V, A1379V.
Identifiers: ClinVar variation 393026 (VCV000393026.5), dbSNP rs746063269, ClinGen allele CA2005349.

ClinVar aggregate classification (germline): Conflicting classifications of pathogenicity. Review status: criteria provided, conflicting classifications (1 of 4 stars). 5 submissions from 5 submitters: Uncertain significance (2); Likely benign (1). 2 of the submissions do not count toward it. Last evaluated 2026-04-14.

Conditions:
TTN-related disorder. Also called: TTN-related disorders; TTN-related condition; TTN-related disease.
Autosomal recessive limb-girdle muscular dystrophy type 2J (LGMDR10). Also called: Limb-girdle muscular dystrophy, type 2J; MUSCULAR DYSTROPHY, LIMB-GIRDLE, AUTOSOMAL RECESSIVE 10. Identifiers: Orphanet 140922, MedGen C1837342, MONDO:0012127, OMIM 608807.
Dilated cardiomyopathy 1G (CMD1G). Identifiers: Orphanet 154, MedGen C1858763, MONDO:0011400, OMIM 604145.

Allele frequency attached by ClinVar (database versions not stated): ExAC 0.00001; gnomAD exomes 0.00001 and 0.00003; gnomAD 0.00003 and 0.00004; TOPMed 0.00005.
gnomAD v4.1: 53 of 1,613,812 alleles (0.0033%); highest among the groups gnomAD compares: Admixed American, 0.005%; no homozygotes.

Submissions (5):

PreventionGenetics, part of Exact Sciences
Classification: Uncertain significance for TTN-related condition. Last evaluated: 2026-04-14. Review status: criteria provided, single submitter. Criteria: ACMG Guidelines, 2015. Collection method: clinical testing. Allele origin: germline.
Comment: The TTN c.4274C>T variant is predicted to result in the amino acid substitution p.Ala1425Val. To our knowledge, this variant has not been reported in the literature. This variant is reported in 0.0062% of alleles in individuals of African descent in gnomAD. At this time, the clinical significance of this variant is uncertain due to the absence of conclusive functional and genetic evidence.

Labcorp Genetics (formerly Invitae), Labcorp
Classification: Uncertain significance for Dilated cardiomyopathy 1G; Autosomal recessive limb-girdle muscular dystrophy type 2J. Last evaluated: 2018-01-05. Review status: criteria provided, single submitter. Criteria: Invitae Variant Classification Sherloc (09022015). Collection method: clinical testing. Allele origin: germline.

GeneDx
Classification: Likely benign. Last evaluated: 2017-09-25. Review status: criteria provided, single submitter. Criteria: GeneDx Variant Classification (06012015). Collection method: clinical testing. Allele origin: germline. Affected: yes.
Comment: This variant is considered likely benign or benign based on one or more of the following criteria: it is a conservative change, it occurs at a poorly conserved position in the protein, it is predicted to be benign by multiple in silico algorithms, and/or has population frequency not consistent with disease.

Genome Diagnostics Laboratory, University Medical Center Utrecht
Classification: Uncertain significance. Review status: no assertion criteria provided. Collection method: clinical testing. Allele origin: germline. Affected: yes. Study: VKGL Data-share Consensus. Not counted in ClinVar's aggregate classification.

Laboratory of Diagnostic Genome Analysis, Leiden University Medical Center (LUMC)
Classification: Uncertain significance. Review status: no assertion criteria provided. Collection method: clinical testing. Allele origin: germline. Affected: yes. Study: VKGL Data-share Consensus. Not counted in ClinVar's aggregate classification.